The following is an entry in ClinVar:

ClinVar aggregate classification (germline): Uncertain significance (1 of 4 stars; one submission).

Conditions:
Hereditary cancer-predisposing syndrome. Also called: Hereditary Cancer Syndrome; Hereditary neoplastic syndrome; Neoplastic Syndromes, Hereditary; Tumor predisposition. Identifiers: Orphanet 140162, MedGen C0027672, MeSH D009386, MONDO:0015356.

Submission:

Ambry Genetics
Classification: Uncertain significance for Hereditary cancer-predisposing syndrome. Last evaluated: 2025-09-10. Review status: criteria provided, single submitter. Criteria: Ambry Variant Classification Scheme 2023. Collection method: clinical testing. Allele origin: germline.
Comment: The p.V1133G variant (also known as c.3398T>G), located in coding exon 28 of the EGFR gene, results from a T to G substitution at nucleotide position 3398. The valine at codon 1133 is replaced by glycine, an amino acid with dissimilar properties. This amino acid position is conserved. In addition, this alteration is predicted to be tolerated by in silico analysis. Based on the available evidence, the clinical significance of this variant remains unclear.

NM_005228.5(EGFR):c.3398T>G (p.Val1133Gly)

Gene: EGFR (epidermal growth factor receptor; plus strand). Cytogenetic location: 7p11.2.
Variant type: single nucleotide variant.
Coding change: c.3398T>G on transcript NM_005228.5 (MANE Select); coding-DNA position 3398, T replaced by G.
Protein change: p.Val1133Gly; replaces valine 1133 with glycine.
Molecular consequence: missense variant.
Genome position (GRCh38, 1-based): chr7:55,205,382, T>G. VCF-style: chr7-55205382-T-G. GRCh37 (hg19) VCF-style: chr7-55273075-T-G.
Other names: c.3263T>G, p.Val1088Gly (NM_001346899.2); c.3239T>G, p.Val1080Gly (NM_001346900.2); c.2597T>G, p.Val866Gly (NM_001346941.2); short protein forms V1133G, V1080G, V866G, V1088G.
Identifiers: ClinVar variation 4247368 (VCV004247368.1).
Genomic context (GRCh38, chr7:55,205,382, plus strand): 5'-AGCCTCTGAACCCCGCGCCCAGCAGAGACCCACACTACCAGGACCCCCACAGCACTGCAG[T>G]GGGCAACCCCGAGTATCTCAACACTGTCCAGCCCACCTGTGTCAACAGCACATTCGACAG-3'
Protein context (NP_005219.2, residues 1123-1143): PHYQDPHSTA[Val1133Gly]GNPEYLNTVQ